The following is an entry in ClinVar:

NM_001244008.2(KIF1A):c.173C>G (p.Ser58Trp)

Gene: KIF1A (kinesin family member 1A; minus strand). Cytogenetic location: 2q37.3.
Variant type: single nucleotide variant.
Coding change: c.173C>G on transcript NM_001244008.2 (MANE Select); coding-DNA position 173, C replaced by G.
Protein change: p.Ser58Trp; replaces serine 58 with tryptophan.
Molecular consequence: missense variant.
Genome position (GRCh38, 1-based): chr2:240,789,246, G>C on the plus strand (C>G on the coding strand, the complement: KIF1A is on the minus strand). VCF-style: chr2-240789246-G-C. GRCh37 (hg19) VCF-style: chr2-241728663-G-C.
Other names: c.173C>G, p.Ser58Trp (NM_001320705.2, NM_001330289.2, NM_001330290.2 and 20 more transcripts); short protein forms S58W.
Identifiers: ClinVar variation 1349128 (VCV001349128.8), dbSNP rs672601362, ClinGen allele CA351311686.

ClinVar aggregate classification (germline): Pathogenic (1 of 4 stars; one submission).

Conditions:
Neuropathy, hereditary sensory, type 2C. Also called: KIF1A-Related HSAN2 (HSAN2C); Hereditary sensory and autonomic neuropathy type IIC. Identifiers: Orphanet 970, MedGen C3280168, MONDO:0013634, OMIM 614213.
Intellectual disability, autosomal dominant 9 (NESCAVS). Also called: KIF1A-Related Neurodevelopmental Disorder; NESCAV SYNDROME. Identifiers: Orphanet 662367, MedGen C5393830, MONDO:0013656, OMIM 614255.
Hereditary spastic paraplegia 30. Identifiers: Orphanet 101010, MedGen C5235139, MONDO:0012476.

Submission:

Labcorp Genetics (formerly Invitae), Labcorp
Classification: Pathogenic for Hereditary spastic paraplegia 30; Neuropathy, hereditary sensory, type 2C; Intellectual disability, autosomal dominant 9. Last evaluated: 2024-08-29. Review status: criteria provided, single submitter. Criteria: Invitae Variant Classification Sherloc (09022015). Collection method: clinical testing. Allele origin: germline.
Comment: This sequence change replaces serine, which is neutral and polar, with tryptophan, which is neutral and slightly polar, at codon 58 of the KIF1A protein (p.Ser58Trp). This variant is not present in population databases (gnomAD no frequency). This missense change has been observed in individual(s) with clinical features of autosomal dominant KIF1A-related conditions (internal data). In at least one individual the variant was observed to be de novo. ClinVar contains an entry for this variant (Variation ID: 1349128). Invitae Evidence Modeling of protein sequence and biophysical properties (such as structural, functional, and spatial information, amino acid conservation, physicochemical variation, residue mobility, and thermodynamic stability) indicates that this missense variant is expected to disrupt KIF1A protein function with a positive predictive value of 95%. This variant disrupts the p.Ser58 amino acid residue in KIF1A. Other variant(s) that disrupt this residue have been determined to be pathogenic (PMID: 25265257, 27146152, 28333917, 29915382). This suggests that this residue is clinically significant, and that variants that disrupt this residue are likely to be disease-causing. For these reasons, this variant has been classified as Pathogenic.

Literature cited by the submitters: PubMed 25265257; PubMed 27146152; PubMed 28333917; PubMed 29915382.